The following is an entry in ClinVar:

ClinVar aggregate classification (germline): Uncertain significance (1 of 4 stars; one submission).

Allele frequency attached by ClinVar (database versions not stated): gnomAD exomes 0.00004 and 0.00009; ExAC 0.00012; 1000 Genomes Project 30x 0.00016; 1000 Genomes Project 0.00020; ESP Exome Variant Server 0.00040; gnomAD 0.00041 and 0.00048; TOPMed 0.00046.
gnomAD v4.1: 120 of 1,611,326 alleles (0.0074%); highest among the groups gnomAD compares: African/African-American, 0.15%; no homozygotes.

Submission:

Labcorp Genetics (formerly Invitae), Labcorp
Classification: Uncertain significance. Last evaluated: 2022-11-22. Review status: criteria provided, single submitter. Criteria: Invitae Variant Classification Sherloc (09022015). Collection method: clinical testing. Allele origin: germline.
Comment: ClinVar contains an entry for this variant (Variation ID: 1393780). This sequence change replaces phenylalanine, which is neutral and non-polar, with leucine, which is neutral and non-polar, at codon 2971 of the HTT protein (p.Phe2971Leu). This variant is present in population databases (rs200392606, gnomAD 0.1%). This variant has not been reported in the literature in individuals affected with HTT-related conditions. Experimental studies and prediction algorithms are not available or were not evaluated, and the functional significance of this variant is currently unknown. In summary, the available evidence is currently insufficient to determine the role of this variant in disease. Therefore, it has been classified as a Variant of Uncertain Significance.

NM_001388492.1(HTT):c.8905T>C (p.Phe2969Leu)

Gene: HTT (huntingtin; plus strand). Cytogenetic location: 4p16.3.
Variant type: single nucleotide variant.
Coding change: c.8905T>C on transcript NM_001388492.1 (MANE Select); coding-DNA position 8905, T replaced by C.
Protein change: p.Phe2969Leu; replaces phenylalanine 2969 with leucine.
Molecular consequence: missense variant.
Genome position (GRCh38, 1-based): chr4:3,238,460, T>C. VCF-style: chr4-3238460-T-C. GRCh37 (hg19) VCF-style: chr4-3240187-T-C.
Other names: c.8911T>C, p.Phe2971Leu (NM_002111.8); short protein forms F2969L, F2971L.
Identifiers: ClinVar variation 1393780 (VCV001393780.6), dbSNP rs200392606, ClinGen allele CA2825855.